The following is an entry in ClinVar:

NM_145045.5(ODAD3):c.302A>C (p.Glu101Ala)

Gene: ODAD3 (outer dynein arm docking complex subunit 3; minus strand). Cytogenetic location: 19p13.2.
Variant type: single nucleotide variant.
Coding change: c.302A>C on transcript NM_145045.5 (MANE Select); coding-DNA position 302, A replaced by C.
Protein change: p.Glu101Ala; replaces glutamic acid 101 with alanine.
Molecular consequence: missense variant.
Genome position (GRCh38, 1-based): chr19:11,430,963, T>G on the plus strand (A>C on the coding strand, the complement: ODAD3 is on the minus strand). VCF-style: chr19-11430963-T-G. GRCh37 (hg19) VCF-style: chr19-11541783-T-G.
Other names: c.140A>C, p.Glu47Ala (NM_001302453.1); c.302A>C, p.Glu101Ala (NM_001302454.2); short protein forms E101A, E47A.
Identifiers: ClinVar variation 1014791 (VCV001014791.6), dbSNP rs745577732, ClinGen allele CA9212465.

ClinVar aggregate classification (germline): Uncertain significance (1 of 4 stars; one submission).

Conditions:
Primary ciliary dyskinesia 30. Also called: CILIARY DYSKINESIA, PRIMARY, 30, WITH OR WITHOUT SITUS INVERSUS. Identifiers: Orphanet 244, MedGen C4015016, MONDO:0014465, OMIM 616037.

Allele frequency attached by ClinVar (database versions not stated): gnomAD below 0.00001 and 0.00001; ExAC 0.00003; gnomAD exomes 0.00003 and 0.00004.
gnomAD v4.1: 16 of 1,613,960 alleles (0.00099%); highest among the groups gnomAD compares: South Asian, 0.018%; no homozygotes.

Submission:

Labcorp Genetics (formerly Invitae), Labcorp
Classification: Uncertain significance for Primary ciliary dyskinesia 30. Last evaluated: 2021-09-01. Review status: criteria provided, single submitter. Criteria: Invitae Variant Classification Sherloc (09022015). Collection method: clinical testing. Allele origin: germline.
Comment: This sequence change replaces glutamic acid with alanine at codon 101 of the CCDC151 protein (p.Glu101Ala). The glutamic acid residue is moderately conserved and there is a moderate physicochemical difference between glutamic acid and alanine. This variant is present in population databases (rs745577732, ExAC 0.02%). This variant has not been reported in the literature in individuals affected with CCDC151-related conditions. Algorithms developed to predict the effect of missense changes on protein structure and function (SIFT, PolyPhen-2, Align-GVGD) all suggest that this variant is likely to be disruptive. In summary, the available evidence is currently insufficient to determine the role of this variant in disease. Therefore, it has been classified as a Variant of Uncertain Significance.